The following is an entry in ClinVar:

ClinVar aggregate classification (germline): Pathogenic (1 of 4 stars; one submission).

Conditions:
Nemaline myopathy 2 (NEM2). Also called: Nemaline myopathy 2, autosomal recessive. Identifiers: MedGen C1850569, MONDO:0009725, OMIM 256030.

Submission:

Labcorp Genetics (formerly Invitae), Labcorp
Classification: Pathogenic for Nemaline myopathy 2. Last evaluated: 2023-08-18. Review status: criteria provided, single submitter. Criteria: Invitae Variant Classification Sherloc (09022015). Collection method: clinical testing. Allele origin: germline.
Comment: For these reasons, this variant has been classified as Pathogenic. This variant occurs in a region of NEB (Exons 82-105) consisting of three highly homologous 8-exon repeat units (exons 82-89, exons 90-97, exons 98-105). Sequence variants in this region can be detected, but this assay cannot determine which of the three repeat units is affected, and zygosity is often ambiguous. All variants in this region are reported relative to the exon 82-89 repeat. This sequence change creates a premature translational stop signal (p.Trp4428*) in the NEB gene. It is expected to result in an absent or disrupted protein product. Loss-of-function variants in NEB are known to be pathogenic (PMID: 25205138). The frequency data for this variant in the population databases (gnomAD) is considered unreliable due to the presence of homologous sequence, such as pseudogenes or paralogs, in the genome. This variant has not been reported in the literature in individuals affected with NEB-related conditions. ClinVar contains an entry for this variant (Variation ID: 1923956).

Literature cited by the submitters: PubMed 25205138.

NM_001164508.2(NEB):c.13283G>A (p.Trp4428Ter)

Gene: NEB (nebulin; minus strand). Cytogenetic location: 2q23.3.
Variant type: single nucleotide variant.
Coding change: c.13283G>A on transcript NM_001164508.2 (MANE Select); coding-DNA position 13283, G replaced by A.
Protein change: p.Trp4428Ter; replaces tryptophan 4428 with a stop codon.
Molecular consequence: nonsense. On other transcripts: intron variant (1).
Genome position (GRCh38, 1-based): chr2:151,602,672, C>T on the plus strand (G>A on the coding strand, the complement: NEB is on the minus strand). VCF-style: chr2-151602672-C-T. GRCh37 (hg19) VCF-style: chr2-152459186-C-T.
Other names: c.13283G>A, p.Trp4428Ter (NM_001164507.2, NM_001271208.2); c.11601+7137G>A (NM_004543.5); short protein forms W4428*.
Identifiers: ClinVar variation 1923956 (VCV001923956.5), dbSNP rs2552220976, ClinGen allele CA348771636.